The following is an entry in ClinVar:

NM_000098.3(CPT2):c.763G>T (p.Asp255Tyr)

Gene: CPT2 (carnitine palmitoyltransferase 2; plus strand). Cytogenetic location: 1p32.3.
Variant type: single nucleotide variant.
Coding change: c.763G>T on transcript NM_000098.3 (MANE Select); coding-DNA position 763, G replaced by T.
Protein change: p.Asp255Tyr; replaces aspartic acid 255 with tyrosine.
Molecular consequence: missense variant.
Genome position (GRCh38, 1-based): chr1:53,210,437, G>T. VCF-style: chr1-53210437-G-T. GRCh37 (hg19) VCF-style: chr1-53676109-G-T.
Other names: c.763G>T, p.Asp255Tyr (NM_001330589.2); short protein forms D255Y.
Identifiers: ClinVar variation 3683621 (VCV003683621.2).

ClinVar aggregate classification (germline): Uncertain significance (1 of 4 stars; one submission).

Conditions:
Carnitine palmitoyltransferase II deficiency. Also called: Carnitine Palmitoyltransferase 2 Deficiency. Identifiers: Orphanet 157, MedGen C0342790, MONDO:0015515.

Submission:

Labcorp Genetics (formerly Invitae), Labcorp
Classification: Uncertain significance for Carnitine palmitoyltransferase II deficiency. Last evaluated: 2024-04-29. Review status: criteria provided, single submitter. Criteria: Invitae Variant Classification Sherloc (09022015). Collection method: clinical testing. Allele origin: germline.
Comment: This sequence change replaces aspartic acid, which is acidic and polar, with tyrosine, which is neutral and polar, at codon 255 of the CPT2 protein (p.Asp255Tyr). This variant is not present in population databases (gnomAD no frequency). This variant has not been reported in the literature in individuals affected with CPT2-related conditions. Advanced modeling of protein sequence and biophysical properties (such as structural, functional, and spatial information, amino acid conservation, physicochemical variation, residue mobility, and thermodynamic stability) performed at Invitae indicates that this missense variant is expected to disrupt CPT2 protein function with a positive predictive value of 80%. In summary, the available evidence is currently insufficient to determine the role of this variant in disease. Therefore, it has been classified as a Variant of Uncertain Significance.